The following is an entry in ClinVar:

ClinVar aggregate classification (germline): Uncertain significance. Review status: criteria provided, multiple submitters, no conflicts (2 of 4 stars). 2 submissions from 2 submitters: Uncertain significance (2). Last evaluated 2025-02-22.

Conditions:
Cardiovascular phenotype. Identifiers: MedGen CN230736.
Long QT syndrome (LQTS). Identifiers: MedGen C0023976, MeSH D008133, MONDO:0002442. Disease mechanism: loss of function. Inheritance: Various modes of inheritance.

Allele frequency attached by ClinVar (database versions not stated): gnomAD 0.00001; gnomAD exomes 0.00001; TOPMed 0.00001; ExAC 0.00002.
gnomAD v4.1: 27 of 1,612,008 alleles (0.0017%); highest among the groups gnomAD compares: Non-Finnish European, 0.0023%; no homozygotes.

Submissions (2):

Ambry Genetics
Classification: Uncertain significance for Cardiovascular phenotype. Last evaluated: 2025-02-22. Review status: criteria provided, single submitter. Criteria: Ambry Variant Classification Scheme 2023. Collection method: clinical testing. Allele origin: germline.
Comment: The p.H662Y variant (also known as c.1984C>T), located in coding exon 8 of the AKAP9 gene, results from a C to T substitution at nucleotide position 1984. The histidine at codon 662 is replaced by tyrosine, an amino acid with similar properties. This amino acid position is conserved. In addition, this alteration is predicted to be tolerated by in silico analysis. Since supporting evidence is limited at this time, the clinical significance of this alteration remains unclear.

Labcorp Genetics (formerly Invitae), Labcorp
Classification: Uncertain significance for Long QT syndrome. Last evaluated: 2023-03-27. Review status: criteria provided, single submitter. Criteria: Invitae Variant Classification Sherloc (09022015). Collection method: clinical testing. Allele origin: germline.
Comment: This sequence change replaces histidine, which is basic and polar, with tyrosine, which is neutral and polar, at codon 662 of the AKAP9 protein (p.His662Tyr). This variant is present in population databases (rs749315335, gnomAD 0.003%). This variant has not been reported in the literature in individuals affected with AKAP9-related conditions. ClinVar contains an entry for this variant (Variation ID: 240249). An algorithm developed to predict the effect of missense changes on protein structure and function (PolyPhen-2) suggests that this variant is likely to be tolerated. In summary, the available evidence is currently insufficient to determine the role of this variant in disease. Therefore, it has been classified as a Variant of Uncertain Significance.

NM_005751.5(AKAP9):c.1984C>T (p.His662Tyr)

Gene: AKAP9 (A-kinase anchoring protein 9; plus strand). Cytogenetic location: 7q21.2.
Variant type: single nucleotide variant.
Coding change: c.1984C>T on transcript NM_005751.5 (MANE Select); coding-DNA position 1984, C replaced by T.
Protein change: p.His662Tyr; replaces histidine 662 with tyrosine.
Molecular consequence: missense variant.
Genome position (GRCh38, 1-based): chr7:92,001,901, C>T. VCF-style: chr7-92001901-C-T. GRCh37 (hg19) VCF-style: chr7-91631215-C-T.
Other names: c.1984C>T, p.His662Tyr (NM_147185.3); short protein forms H662Y.
Identifiers: ClinVar variation 240249 (VCV000240249.14), dbSNP rs749315335, ClinGen allele CA4336082.
Genomic context (GRCh38, chr7:92,001,901, plus strand): 5'-GAAGATTTAGAAATTGAACATCGAATAAATATTGAAAAACTTAAAGATAATTTAGGCATT[C>T]ACTATAAACAGCAGATAGATGGTTTACAGAATGAAATGAGTCAAAAGATAGAAACCATGC-3'
Protein context (NP_005742.4, residues 652-672): IEKLKDNLGI[His662Tyr]YKQQIDGLQN